The following is an entry in ClinVar:

ClinVar aggregate classification (germline): Likely benign. Review status: criteria provided, multiple submitters, no conflicts (2 of 4 stars). 6 submissions from 6 submitters: Likely benign (5). 1 of the submissions does not count toward it. Last evaluated 2025-12-28.

Conditions:
ADGRV1-related disorder. Also called: ADGRV1-related condition; ADGRV1-related disorders.

Allele frequency attached by ClinVar (database versions not stated): gnomAD 0.00001; gnomAD exomes 0.00003; TOPMed 0.00004; ExAC 0.00006; ESP Exome Variant Server 0.00008; 1000 Genomes Project 30x 0.00016; 1000 Genomes Project 0.00020.
gnomAD v4.1: 40 of 1,612,810 alleles (0.0025%); highest among the groups gnomAD compares: East Asian, 0.0089%; no homozygotes.

Submissions (6):

Labcorp Genetics (formerly Invitae), Labcorp
Classification: Likely benign. Last evaluated: 2025-12-28. Review status: criteria provided, single submitter. Criteria: Invitae Variant Classification Sherloc (09022015). Collection method: clinical testing. Allele origin: germline.

Blueprint Genetics
Classification: Likely benign. Last evaluated: 2024-03-01. Review status: criteria provided, single submitter. Criteria: ACMG Guidelines, 2015. Collection method: clinical testing. Allele origin: germline.

CeGaT Center for Human Genetics Tuebingen
Classification: Likely benign. Last evaluated: 2022-05-01. Review status: criteria provided, single submitter. Criteria: CeGaT Center For Human Genetics Tuebingen Variant Classification Criteria Version 2. Collection method: clinical testing. Allele origin: germline. Affected: yes. Observed: 1 variant allele.
Comment: ADGRV1: BP4, BP7

GeneDx
Classification: Likely benign. Last evaluated: 2021-05-06. Review status: criteria provided, single submitter. Criteria: GeneDx Variant Classification Process June 2021. Collection method: clinical testing. Allele origin: germline. Affected: yes.

Laboratory for Molecular Medicine, Mass General Brigham Personalized Medicine
Classification: Likely benign. Last evaluated: 2012-04-30. Review status: criteria provided, single submitter. Criteria: LMM Criteria. Collection method: clinical testing. Allele origin: germline. Observed: 2 variant alleles.
Comment: Tyr1383Tyr in Exon 20 of GPR98: This variant is not expected to have clinical si gnificance because it does not alter an amino acid residue, is not located withi n the splice consensus sequence, and has been identified in 1/6636 European Amer ican chromosomes from a broad population by the NHLBI Exome Sequencing Project (dbSNP rs138929990).

PreventionGenetics, part of Exact Sciences
Classification: Likely benign for ADGRV1-related condition. Last evaluated: 2019-08-01. Review status: no assertion criteria provided. Collection method: clinical testing. Allele origin: germline. Not counted in ClinVar's aggregate classification.
Comment: This variant is classified as likely benign based on ACMG/AMP sequence variant interpretation guidelines (Richards et al. 2015 PMID: 25741868, with internal and published modifications).

NM_032119.4(ADGRV1):c.4149C>T (p.Tyr1383=)

Gene: ADGRV1 (adhesion G protein-coupled receptor V1; plus strand). Cytogenetic location: 5q14.3.
Variant type: single nucleotide variant.
Coding change: c.4149C>T on transcript NM_032119.4 (MANE Select); coding-DNA position 4149, C replaced by T.
Protein change: p.Tyr1383=; no amino-acid change (tyrosine 1383 retained).
Molecular consequence: synonymous variant. On other transcripts: non-coding transcript variant (1).
Genome position (GRCh38, 1-based): chr5:90,653,723, C>T. VCF-style: chr5-90653723-C-T. GRCh37 (hg19) VCF-style: chr5-89949540-C-T.
Identifiers: ClinVar variation 178360 (VCV000178360.42), dbSNP rs138929990, ClinGen allele CA182177.